The following is an entry in ClinVar:

ClinVar aggregate classification (germline): Pathogenic. Review status: criteria provided, single submitter (1 of 4 stars). 2 submissions from 2 submitters: Pathogenic (1). 1 of the submissions does not count toward it. Last evaluated 2021-04-26.

Conditions:
Intellectual disability, X-linked 102 (MRXSSB). Also called: Intellectual developmental disorder, X-linked syndromic, Snijders Blok type. Identifiers: Orphanet 457260, MedGen C5393299, MONDO:0010497, OMIM 300958.

Submissions (2):

Genetics Laboratory, UDIAT-Centre Diagnòstic, Hospital Universitari Parc Tauli
Classification: Pathogenic. Last evaluated: 2021-04-26. Review status: criteria provided, single submitter. Criteria: Parc Tauli Hospital Assertion Criteria 2021. Collection method: clinical testing. Allele origin: de novo. Inheritance: X-linked inheritance. Affected: yes. Observed: 1 hemizygote.
Comment: PVS1_very strong;PM2_supporting;PM6_moderate;PP3_supporting

Molecular Genetics Laboratory, BC Children's and BC Women's Hospitals
Classification: Pathogenic for Intellectual disability, X-linked 102. Last evaluated: 2016-05-12. Review status: no assertion criteria provided. Criteria: ACMG Guidelines, 2015. Collection method: clinical testing. Allele origin: de novo. Affected: yes. Not counted in ClinVar's aggregate classification.

NM_001356.5(DDX3X):c.1099dup (p.Gln367fs)

Gene: DDX3X (DEAD-box helicase 3 X-linked; plus strand). Cytogenetic location: Xp11.4.
Variant type: Duplication.
Coding change: c.1099dup on transcript NM_001356.5 (MANE Select); coding-DNA position 1099, one base duplicated (C; older notation c.1099dupC).
Protein change: p.Gln367fs; shifts the reading frame from glutamine 367.
Molecular consequence: frameshift variant. On other transcripts: non-coding transcript variant (1).
Genome position (GRCh38, 1-based): chrX:41,345,253, C duplicated. VCF-style (leftmost placement, unchanged base first): chrX-41345252-A-AC. GRCh37 (hg19) VCF-style: chrX-41204505-A-AC.
Other names: c.1099dup, p.Gln367fs (NM_001193416.3); c.1051dup, p.Gln351fs (NM_001193417.3); c.541dup, p.Gln181fs (NM_001363819.1); short protein forms Q181fs, Q367fs, Q351fs.
Identifiers: ClinVar variation 438285 (VCV000438285.3), dbSNP rs1555953819, ClinGen allele CA645509420.